The following is an entry in ClinVar:

ClinVar aggregate classification (germline): Pathogenic (1 of 4 stars; one submission).

Submission:

Labcorp Genetics (formerly Invitae), Labcorp
Classification: Pathogenic. Last evaluated: 2024-01-08. Review status: criteria provided, single submitter. Criteria: Invitae Variant Classification Sherloc (09022015). Collection method: clinical testing. Allele origin: germline.
Comment: This sequence change creates a premature translational stop signal (p.Thr900Asnfs*13) in the ABCC6 gene. It is expected to result in an absent or disrupted protein product. Loss-of-function variants in ABCC6 are known to be pathogenic (PMID: 11536079, 17617515). This variant is not present in population databases (gnomAD no frequency). This variant has not been reported in the literature in individuals affected with ABCC6-related conditions. ClinVar contains an entry for this variant (Variation ID: 1456657). For these reasons, this variant has been classified as Pathogenic.

Literature cited by the submitters: PubMed 11536079; PubMed 17617515.

NM_001171.6(ABCC6):c.2698dup (p.Thr900fs)

Gene: ABCC6 (ATP binding cassette subfamily C member 6; minus strand). Cytogenetic location: 16p13.11.
Variant type: Duplication.
Coding change: c.2698dup on transcript NM_001171.6 (MANE Select); coding-DNA position 2698, one base duplicated (A; older notation c.2698dupA).
Protein change: p.Thr900fs; shifts the reading frame from threonine 900.
Molecular consequence: frameshift variant. On other transcripts: non-coding transcript variant (1).
Genome position (GRCh38, 1-based): chr16:16,173,373, T duplicated on the plus strand (A on the coding strand, the reverse complement: ABCC6 is on the minus strand). VCF-style (leftmost placement, unchanged base first): chr16-16173372-G-GT. GRCh37 (hg19) VCF-style: chr16-16267229-G-GT.
Other names: c.2356dup, p.Thr786fs (NM_001351800.1); short protein forms T786fs, T900fs.
Identifiers: ClinVar variation 1456657 (VCV001456657.6), dbSNP rs2152243320, ClinGen allele CA2573151903.